The following is an entry in ClinVar:

ClinVar aggregate classification (germline): Pathogenic. Review status: reviewed by expert panel (3 of 4 stars). 6 submissions from 6 submitters: Pathogenic (1). 5 of the submissions do not count toward it. Last evaluated 2026-04-08.

Conditions:
Hemoglobin H disease (HBH). Also called: Hemoglobin H (HbH) Disease; ALPHA-THALASSEMIA, HEMOGLOBIN H TYPE; HEMOGLOBIN H DISEASE, DELETIONAL. Identifiers: Orphanet 93616, MedGen C3161174, MONDO:0013512, OMIM 613978. Disease mechanism: loss of function.
alpha Thalassemia. Also called: Alpha thalassemia spectrum. Identifiers: Orphanet 846, MedGen C0002312, MONDO:0011399, OMIM 604131.
Heinz body anemia. Also called: Heinz body hemolytic anemia. Identifiers: Orphanet 178330, MedGen C0700299, MONDO:0007705, OMIM 140700, HP:0005511.
Erythrocytosis, familial, 7. Also called: ERYTHROCYTOSIS, ALPHA-GLOBIN TYPE; POLYCYTHEMIA, ALPHA-GLOBIN TYPE; ERYTHROCYTOSIS 7. Identifiers: MedGen C4693823, MONDO:0054802, OMIM 617981.
HBA2-related alpha thalassemia spectrum. Identifiers: MedGen CN377749, MONDO:0100562.
Hemoglobin H disease, nondeletional. Identifiers: MedGen C3279561.

Allele frequency attached by ClinVar (database versions not stated): gnomAD exomes 0.00001.

Submissions (6):

ClinGen Hemoglobinopathy Variant Curation Expert Panel, ClinGen
Classification: Pathogenic for HBA2-related alpha thalassemia spectrum. Last evaluated: 2026-04-08. Review status: reviewed by expert panel. Criteria: ClinGen Hb Opathy ACMG Specifications HBA2 V1.0.0. Collection method: curation. Allele origin: germline. Inheritance: Autosomal recessive inheritance.
Comment: The NM_000517.6(HBA2):c.2del, p.(Met1fs), variant is an initiation codon loss predicted to cause loss of function of the protein [PVS1]. It has been reported in 3 individuals displaying a hematological phenotype consistent with α-thalassemia trait (reduced MCV and MCH with normal/increased RBC count), giving a total score of 0.55 [PS4_P; PMID 16116675; 9322079; 28620953]. This variant has been detected in two individuals with HbH disease. Both were compound heterozygous for the variant and a pathogenic variant (α0 --SEA) and were confirmed in trans by family testing; total PM3 points are 2 [PM3_S; PMID: 16116675; 9322079]. It has been reported to segregate with HbH disease phenotype in 2 affected family members from 2 families. The total number of unaffected segregations is 1, giving a LOD score of 1.33 [PP1; PMID: 16116675; 9322079]. The minor allele frequency in gnomAD v4.1 is 0.000007432 (2/269118 alleles), which is lower than the ClinGen Hemoglobinopathy VCEP threshold <0.0001 for PM2_Supporting, and therefore meets this criterion [PM2_P]. In summary, this variant meets the criteria to be classified as pathogenic for HBA2-related alpha thalassemia spectrum (MONDO:0100562) in an autosomal recessive manner based on the ACMG/AMP criteria applied, as specified by the ClinGen Hemoglobinopathy VCEP (specification version 1.0.0): PVS1, PM3_S, PP1, PS4_P, PM2_P.

Natera, Inc.
Classification: Pathogenic for Alpha thalassemia. Last evaluated: 2025-08-15. Review status: criteria provided, single submitter. Criteria: Natera Variant Classification Schema (03/2026). Collection method: clinical testing. Allele origin: germline. Not counted in ClinVar's aggregate classification.
Comment: The c.2delT variant in HBA2 is predicted to result in start loss due to disruption of the initiator methionine. This variant is expected to result in nonsense mediated decay, truncation, or a dysfunctional protein product. This variant is rare in the general population with a frequency below the threshold expected for the associated phenotype(s). This variant has been observed in one or more individuals affected with the associated recessive disease, as either homozygous or compound heterozygous with a second variant (PMID: 9322079). Given the available evidence, this variant is classified as Pathogenic.

ARUP Laboratories, Molecular Genetics and Genomics, ARUP Laboratories
Classification: Pathogenic. Last evaluated: 2025-04-30. Review status: criteria provided, single submitter. Criteria: ARUP Molecular Germline Variant Investigation Process 2024. Collection method: clinical testing. Allele origin: germline. Not counted in ClinVar's aggregate classification.
Comment: The HBA2 c.2del; p.Met1? variant (also known as initiation codon (-T), rs63750678, HbVar ID: 1062), is reported in the literature in individuals affected with HbH disease who also carried a large deletion encompassing both the HBA1 and HBA2 genes on the other chromosome (see link to HbVar and references therein; Viprakasit 2005). This variant is reported in ClinVar (Variation ID: 15692), and abolishes the canonical initiation codon of HBA2, so it is predicted to result in an absent protein. Other variants that disrupt the initiation codon have been reported in individuals with alpha thalassemias and are considered pathogenic (Eng 2006, Olivieri 1987). Based on available information, the c.2del; p.Met1? variant is considered to be pathogenic. References: Link to HbVar database: Eng B et al. Three new alpha-thalassemia point mutations ascertained through newborn screening. Hemoglobin. 2006;30(2):149-53. PMID: 16798638. Olivieri NF et al. An alpha-globin gene initiation codon mutation in a black family with HbH disease. Blood. 1987 Sep;70(3):729-32. PMID: 3620699. Viprakasit V et al. A rare association of alphaO-thalassemia (--SEA) and an initiation codon mutation (ATG-->A-G) of the alpha2 gene causes Hb H disease in Thailand. Hemoglobin. 2005;29(3):235-40. PMID: 16116675.

Quest Diagnostics Nichols Institute San Juan Capistrano
Classification: Pathogenic. Last evaluated: 2024-10-10. Review status: criteria provided, single submitter. Criteria: Quest Diagnostics criteria. Collection method: clinical testing. Allele origin: unknown. Not counted in ClinVar's aggregate classification.
Comment: The HBA2 c.2del variant disrupts the translation initiation codon of the HBA2 mRNA and is predicted to interfere with HBA2 protein synthesis. This variant has been reported in individuals with Hb H disease (PMID: 9322079 (1997), Quest internal data). This variant has also been observed in individuals undergoing thalassemia screening (PMID: 34293487 (2021)). This variant has not been reported in large, multi-ethnic general populations (Genome Aggregation Database). Based on the available information, this variant is classified as pathogenic.

Fulgent Genetics
Classification: Pathogenic for Heinz body anemia; alpha Thalassemia; Hemoglobin H disease; Erythrocytosis, familial, 7. Last evaluated: 2024-03-29. Review status: criteria provided, single submitter. Criteria: ACMG Guidelines, 2015. Collection method: clinical testing. Allele origin: germline. Not counted in ClinVar's aggregate classification.

OMIM
Classification: Pathogenic for HEMOGLOBIN H DISEASE, NONDELETIONAL. Last evaluated: 2005-01-01. Review status: no assertion criteria provided. Collection method: literature only. Allele origin: germline. Not counted in ClinVar's aggregate classification.

Literature cited by the submitters: PubMed 9322079 (cited by 3 submitters); PubMed 27271331 (cited by Quest Diagnostics Nichols Institute San Juan Capistrano); PubMed 23901141 (cited by Quest Diagnostics Nichols Institute San Juan Capistrano); PubMed 34293487 (cited by Quest Diagnostics Nichols Institute San Juan Capistrano); PubMed 30830998 (cited by Quest Diagnostics Nichols Institute San Juan Capistrano); PubMed 36900038 (cited by Quest Diagnostics Nichols Institute San Juan Capistrano); PubMed 16116675 (cited by OMIM).

NM_000517.6(HBA2):c.2del (p.Met1fs)

Genes: HBA2 (hemoglobin subunit alpha 2; plus strand), LOC106804612 (hemoglobin subunit alpha 2 recombination region; plus strand). Cytogenetic location: 16p13.3.
Variant type: Deletion.
Coding change: c.2del on transcript NM_000517.6 (MANE Select); coding-DNA position 2, one base deleted (T; older notation c.2delT).
Protein change: p.Met1fs; shifts the reading frame from methionine 1.
Molecular consequence: frameshift variant, initiator codon variant.
Genome position (GRCh38, 1-based): chr16:172,914, T deleted. VCF-style (leftmost placement, unchanged base first): chr16-172913-AT-A. GRCh37 (hg19) VCF-style: chr16-222912-AT-A.
Other names: NM_000517.6(HBA2):c.2del; p.Met1fs; c.2delT (NM_000517.5); short protein forms M1fs.
Identifiers: ClinVar variation 15692 (VCV000015692.22), dbSNP rs63750678, ClinGen allele CA125662.